The following is an entry in ClinVar:

ClinVar aggregate classification (germline): Uncertain significance (1 of 4 stars; one submission).

Submission:

GeneDx
Classification: Uncertain significance. Last evaluated: 2025-06-05. Review status: criteria provided, single submitter. Criteria: GeneDx Variant Classification Process June 2021. Collection method: clinical testing. Allele origin: germline. Affected: yes.
Comment: Reported in patient referred for autosomal dominant polycystic kidney disease who also harbors a variant in the PKD2 gene (PMID: 17582161); In silico analysis supports that this missense variant has a deleterious effect on protein structure/function; Not observed at significant frequency in large population cohorts (gnomAD); This variant is associated with the following publications: (PMID: 17582161)

NM_001009944.3(PKD1):c.2486C>T (p.Pro829Leu)

Gene: PKD1 (polycystin 1, transient receptor potential channel interacting; minus strand). Cytogenetic location: 16p13.3.
Variant type: single nucleotide variant.
Coding change: c.2486C>T on transcript NM_001009944.3 (MANE Select); coding-DNA position 2486, C replaced by T.
Protein change: p.Pro829Leu; replaces proline 829 with leucine.
Molecular consequence: missense variant.
Genome position (GRCh38, 1-based): chr16:2,114,537, G>A on the plus strand (C>T on the coding strand, the complement: PKD1 is on the minus strand). VCF-style: chr16-2114537-G-A. GRCh37 (hg19) VCF-style: chr16-2164538-G-A.
Other names: c.2486C>T, p.Pro829Leu (NM_000296.4); short protein forms P829L.
Identifiers: ClinVar variation 4536335 (VCV004536335.1).